The following is an entry in ClinVar:

NM_173354.5(SIK1):c.1838G>C (p.Cys613Ser)

Gene: SIK1 (salt inducible kinase 1; minus strand). Cytogenetic location: 21q22.3.
Variant type: single nucleotide variant.
Coding change: c.1838G>C on transcript NM_173354.5 (MANE Select); coding-DNA position 1838, G replaced by C.
Protein change: p.Cys613Ser; replaces cysteine 613 with serine.
Molecular consequence: missense variant.
Genome position (GRCh38, 1-based): chr21:43,417,681, C>G on the plus strand (G>C on the coding strand, the complement: SIK1 is on the minus strand). VCF-style: chr21-43417681-C-G. GRCh37 (hg19) VCF-style: chr21-44837561-C-G.
Other names: short protein forms C613S.
Identifiers: ClinVar variation 4809632 (VCV004809632.1).

ClinVar aggregate classification (germline): Uncertain significance (1 of 4 stars; one submission).

Conditions:
Developmental and epileptic encephalopathy, 30 (DEE30). Also called: Epileptic encephalopathy, early infantile, 30. Identifiers: MedGen C4225360, MONDO:0014595, OMIM 616341.

Submission:

Labcorp Genetics (formerly Invitae), Labcorp
Classification: Uncertain significance for Developmental and epileptic encephalopathy, 30. Last evaluated: 2025-04-23. Review status: criteria provided, single submitter. Criteria: Invitae Variant Classification Sherloc (09022015). Collection method: clinical testing. Allele origin: germline.
Comment: This sequence change replaces cysteine, which is neutral and slightly polar, with serine, which is neutral and polar, at codon 613 of the SIK1 protein (p.Cys613Ser). This variant is not present in population databases (gnomAD no frequency). This variant has not been reported in the literature in individuals affected with SIK1-related conditions. Invitae Evidence Modeling of protein sequence and biophysical properties (such as structural, functional, and spatial information, amino acid conservation, physicochemical variation, residue mobility, and thermodynamic stability) indicates that this missense variant is not expected to disrupt SIK1 protein function with a negative predictive value of 95%. In summary, the available evidence is currently insufficient to determine the role of this variant in disease. Therefore, it has been classified as a Variant of Uncertain Significance.